The following is an entry in ClinVar:

NM_006015.6(ARID1A):c.2902A>T (p.Met968Leu)

Gene: ARID1A (AT-rich interaction domain 1A; plus strand). Cytogenetic location: 1p36.11.
Variant type: single nucleotide variant.
Coding change: c.2902A>T on transcript NM_006015.6 (MANE Select); coding-DNA position 2902, A replaced by T.
Protein change: p.Met968Leu; replaces methionine 968 with leucine.
Molecular consequence: missense variant.
Genome position (GRCh38, 1-based): chr1:26,766,480, A>T. VCF-style: chr1-26766480-A-T. GRCh37 (hg19) VCF-style: chr1-27092971-A-T.
Other names: c.2902A>T, p.Met968Leu (NM_139135.4); short protein forms M968L.
Identifiers: ClinVar variation 4885142 (VCV004885142.2).

ClinVar aggregate classification (germline): Uncertain significance (1 of 4 stars; one submission).

Submission:

Dasa
Classification: Uncertain significance. Last evaluated: 2025-04-15. Review status: criteria provided, single submitter. Criteria: DASA Assertion Criteria. Collection method: clinical testing. Allele origin: germline.
Comment: NM_006015.6(ARID1A):c.2902A>T (p.Met968Leu) is a missense variant that results in the substitution of methionine with leucine. This variant is absent from population databases. Computational prediction algorithms are consistent with a benign effect. The currently available literature and clinical evidence are not sufficient to establish a definitive association between this variant and the reported condition. Therefore, this variant is classified as a variant of uncertain significance.